The following is an entry in ClinVar:

NM_004655.4(AXIN2):c.534C>T (p.Ile178=)

Gene: AXIN2 (axin 2; minus strand). Cytogenetic location: 17q24.1.
Variant type: single nucleotide variant.
Coding change: c.534C>T on transcript NM_004655.4 (MANE Select); coding-DNA position 534, C replaced by T.
Protein change: p.Ile178=; no amino-acid change (isoleucine 178 retained).
Molecular consequence: synonymous variant.
Genome position (GRCh38, 1-based): chr17:65,558,087, G>A on the plus strand (C>T on the coding strand, the complement: AXIN2 is on the minus strand). VCF-style: chr17-65558087-G-A. GRCh37 (hg19) VCF-style: chr17-63554205-G-A.
Other names: c.534C>T, p.Ile178= (NM_001363813.1).
Identifiers: ClinVar variation 1085492 (VCV001085492.12), dbSNP rs751537079, ClinGen allele CA8719038.

ClinVar aggregate classification (germline): Benign/Likely benign. Review status: criteria provided, multiple submitters, no conflicts (2 of 4 stars). 3 submissions from 3 submitters: Benign (1); Likely benign (2). Last evaluated 2025-12-06.

Conditions:
Hereditary cancer-predisposing syndrome. Also called: Hereditary Cancer Syndrome; Neoplastic Syndromes, Hereditary; Tumor predisposition; Hereditary neoplastic syndrome. Identifiers: Orphanet 140162, MedGen C0027672, MeSH D009386, MONDO:0015356.
Oligodontia-cancer predisposition syndrome. Also called: TOOTH AGENESIS-COLORECTAL CANCER SYNDROME. Identifiers: Orphanet 300576, MedGen C1837750, MONDO:0012075, OMIM 608615. Disease mechanism: loss of function.

Allele frequency attached by ClinVar (database versions not stated): gnomAD exomes below 0.00001; TOPMed below 0.00001; ExAC 0.00001; gnomAD 0.00002.
gnomAD v4.1: 3 of 1,613,908 alleles (0.00019%); highest among the groups gnomAD compares: African/African-American, 0.004%; no homozygotes.

Submissions (3):

Labcorp Genetics (formerly Invitae), Labcorp
Classification: Likely benign for Oligodontia-cancer predisposition syndrome. Last evaluated: 2025-12-06. Review status: criteria provided, single submitter. Criteria: Invitae Variant Classification Sherloc (09022015). Collection method: clinical testing. Allele origin: germline.

Myriad Genetics, Inc.
Classification: Benign for Oligodontia-cancer predisposition syndrome. Last evaluated: 2024-06-26. Review status: criteria provided, single submitter. Criteria: Myriad Autosomal Dominant, Autosomal Recessive and X-Linked Classification Criteria (2023). Collection method: clinical testing. Allele origin: unknown.
Comment: This variant is considered benign. This variant is a silent/synonymous amino acid change and it is not expected to impact splicing.

Ambry Genetics
Classification: Likely benign for Hereditary cancer-predisposing syndrome. Last evaluated: 2020-08-18. Review status: criteria provided, single submitter. Criteria: Ambry Variant Classification Scheme 2023. Collection method: clinical testing. Allele origin: germline.